The following is an entry in ClinVar:

ClinVar aggregate classification (germline): Uncertain significance (1 of 4 stars; one submission).

Conditions:
ACADVL-related disorder. Also called: ACADVL-related condition.

gnomAD v4.1: 13 of 1,285,290 alleles (0.001%); highest among the groups gnomAD compares: African/African-American, 0.0031%; no homozygotes.

Submission:

PreventionGenetics, part of Exact Sciences
Classification: Uncertain significance for ACADVL-related condition. Last evaluated: 2025-07-29. Review status: criteria provided, single submitter. Criteria: ACMG Guidelines, 2015. Collection method: clinical testing. Allele origin: germline.
Comment: The ACADVL c.19G>A variant is predicted to result in the amino acid substitution p.Ala7Thr. To our knowledge, this variant has not been reported in the literature. This variant is reported in 0.0077% of alleles in individuals of European (Non-Finnish) descent in gnomAD. At this time, the clinical significance of this variant is uncertain due to the absence of conclusive functional and genetic evidence.

NM_001270447.2(ACADVL):c.19G>A (p.Ala7Thr)

Genes: ACADVL (acyl-CoA dehydrogenase very long chain; plus strand), DLG4 (discs large MAGUK scaffold protein 4; minus strand). Cytogenetic location: 17p13.1.
Variant type: single nucleotide variant.
Coding change: c.19G>A on transcript NM_001270447.2; coding-DNA position 19, G replaced by A.
Protein change: p.Ala7Thr; replaces alanine 7 with threonine.
Molecular consequence: missense variant. On other transcripts: 5 prime UTR variant (2), intron variant (2).
Genome position (GRCh38, 1-based): chr17:7,217,164, G>A. VCF-style: chr17-7217164-G-A. GRCh37 (hg19) VCF-style: chr17-7120483-G-A.
Other names: c.-17C>T (NM_001128827.4, NM_001321075.3); c.159+1077C>T (NM_001365.5, NM_001321074.1); short protein forms A7T.
Identifiers: ClinVar variation 4980876 (VCV004980876.1).